The following is an entry in ClinVar:

NM_001105206.3(LAMA4):c.1909G>A (p.Ala637Thr)

Gene: LAMA4 (laminin subunit alpha 4; minus strand). Cytogenetic location: 6q21.
Variant type: single nucleotide variant.
Coding change: c.1909G>A on transcript NM_001105206.3 (MANE Select); coding-DNA position 1909, G replaced by A.
Protein change: p.Ala637Thr; replaces alanine 637 with threonine.
Molecular consequence: missense variant.
Genome position (GRCh38, 1-based): chr6:112,155,615, C>T on the plus strand (G>A on the coding strand, the complement: LAMA4 is on the minus strand). VCF-style: chr6-112155615-C-T. GRCh37 (hg19) VCF-style: chr6-112476817-C-T.
Other names: c.1888G>A, p.Ala630Thr (NM_001105207.3, NM_002290.5); c.1888G>A (NM_002290.3); short protein forms A637T, A630T.
Identifiers: ClinVar variation 1365031 (VCV001365031.9), dbSNP rs1554336733, ClinGen allele CA365364351.

ClinVar aggregate classification (germline): Uncertain significance. Review status: criteria provided, multiple submitters, no conflicts (2 of 4 stars). 2 submissions from 2 submitters: Uncertain significance (2). Last evaluated 2023-11-23.

Conditions:
Cardiovascular phenotype. Identifiers: MedGen CN230736.
Dilated cardiomyopathy 1JJ (CMD1JJ). Identifiers: Orphanet 154, MedGen C3808935, MONDO:0014095, OMIM 615235.

Allele frequency attached by ClinVar (database versions not stated): gnomAD exomes below 0.00001.
gnomAD v4.1: 1 of 1,614,086 alleles (0.000062%); no homozygotes.

Submissions (2):

Ambry Genetics
Classification: Uncertain significance for Cardiovascular phenotype. Last evaluated: 2023-11-23. Review status: criteria provided, single submitter. Criteria: Ambry Variant Classification Scheme 2023. Collection method: clinical testing. Allele origin: germline.
Comment: The p.A630T variant (also known as c.1888G>A), located in coding exon 14 of the LAMA4 gene, results from a G to A substitution at nucleotide position 1888. The alanine at codon 630 is replaced by threonine, an amino acid with similar properties. This amino acid position is conserved. In addition, the in silico prediction for this alteration is inconclusive. Since supporting evidence is limited at this time, the clinical significance of this alteration remains unclear.

Labcorp Genetics (formerly Invitae), Labcorp
Classification: Uncertain significance for Dilated cardiomyopathy 1JJ. Last evaluated: 2021-05-08. Review status: criteria provided, single submitter. Criteria: Invitae Variant Classification Sherloc (09022015). Collection method: clinical testing. Allele origin: germline.
Comment: This variant has not been reported in the literature in individuals with LAMA4-related conditions. This variant is not present in population databases (ExAC no frequency). This sequence change replaces alanine with threonine at codon 630 of the LAMA4 protein (p.Ala630Thr). The alanine residue is highly conserved and there is a small physicochemical difference between alanine and threonine. In summary, the available evidence is currently insufficient to determine the role of this variant in disease. Therefore, it has been classified as a Variant of Uncertain Significance. Algorithms developed to predict the effect of missense changes on protein structure and function (SIFT, PolyPhen-2, Align-GVGD) all suggest that this variant is likely to be disruptive, but these predictions have not been confirmed by published functional studies and their clinical significance is uncertain.